The following is an entry in ClinVar:

NM_005228.5(EGFR):c.3148A>G (p.Ile1050Val)

Gene: EGFR (epidermal growth factor receptor; plus strand). Cytogenetic location: 7p11.2.
Variant type: single nucleotide variant.
Coding change: c.3148A>G on transcript NM_005228.5 (MANE Select); coding-DNA position 3148, A replaced by G.
Protein change: p.Ile1050Val; replaces isoleucine 1050 with valine.
Molecular consequence: missense variant.
Genome position (GRCh38, 1-based): chr7:55,201,768, A>G. VCF-style: chr7-55201768-A-G. GRCh37 (hg19) VCF-style: chr7-55269461-A-G.
Other names: c.3013A>G, p.Ile1005Val (NM_001346897.2, NM_001346899.2); c.3148A>G, p.Ile1050Val (NM_001346898.2); c.2989A>G, p.Ile997Val (NM_001346900.2); c.2347A>G, p.Ile783Val (NM_001346941.2); short protein forms I783V, I1050V, I997V, I1005V.
Identifiers: ClinVar variation 2798979 (VCV002798979.4), dbSNP rs1462369239, ClinGen allele CA367582992.
Genomic context (GRCh38, chr7:55,201,768, plus strand): 5'-TGGGCAACTTCTCTGTTTCTTTTTCAGAGTGCAACCAGCAACAATTCCACCGTGGCTTGC[A>G]TTGATAGAAATGGGGTATGTATGAACACCTTATAAGCCAGAATTTACAGCTCTCCACTAT-3'
Protein context (NP_005219.2, residues 1040-1060): ATSNNSTVAC[Ile1050Val]DRNGLQSCPI

ClinVar aggregate classification (germline): Conflicting classifications of pathogenicity. Review status: criteria provided, conflicting classifications (1 of 4 stars). 2 submissions from 2 submitters: Uncertain significance (1); Likely benign (1). Last evaluated 2025-11-10.

Conditions:
Hereditary cancer-predisposing syndrome. Also called: Hereditary Cancer Syndrome; Neoplastic Syndromes, Hereditary; Tumor predisposition; Hereditary neoplastic syndrome. Identifiers: Orphanet 140162, MedGen C0027672, MeSH D009386, MONDO:0015356.
EGFR-related lung cancer (EGFR). Identifiers: MedGen CN130014.

Allele frequency attached by ClinVar (database versions not stated): gnomAD exomes below 0.00001.
gnomAD v4.1: 1 of 1,614,204 alleles (0.000062%); highest among the groups gnomAD compares: South Asian, 0.0011%; no homozygotes.

Submissions (2):

Labcorp Genetics (formerly Invitae), Labcorp
Classification: Uncertain significance for EGFR-related lung cancer. Last evaluated: 2025-11-10. Review status: criteria provided, single submitter. Criteria: Invitae Variant Classification Sherloc (09022015). Collection method: clinical testing. Allele origin: germline.
Comment: This sequence change replaces isoleucine, which is neutral and non-polar, with valine, which is neutral and non-polar, at codon 1050 of the EGFR protein (p.Ile1050Val). This variant is not present in population databases (gnomAD no frequency). This variant has not been reported in the literature in individuals affected with EGFR-related conditions. ClinVar contains an entry for this variant (Variation ID: 2798979). An algorithm developed to predict the effect of missense changes on protein structure and function outputs the following: PolyPhen-2: "Benign". The valine amino acid residue is found in multiple mammalian species, which suggests that this missense change does not adversely affect protein function. In summary, the available evidence is currently insufficient to determine the role of this variant in disease. Therefore, it has been classified as a Variant of Uncertain Significance.

Ambry Genetics
Classification: Likely benign for Hereditary cancer-predisposing syndrome. Last evaluated: 2025-02-07. Review status: criteria provided, single submitter. Criteria: Ambry Variant Classification Scheme 2023. Collection method: clinical testing. Allele origin: germline.